The following is an entry in ClinVar:

NM_152490.5(B3GALNT2):c.826A>G (p.Ile276Val)

Gene: B3GALNT2 (beta-1,3-N-acetylgalactosaminyltransferase 2; minus strand). Cytogenetic location: 1q42.3.
Variant type: single nucleotide variant.
Coding change: c.826A>G on transcript NM_152490.5 (MANE Select); coding-DNA position 826, A replaced by G.
Protein change: p.Ile276Val; replaces isoleucine 276 with valine.
Molecular consequence: missense variant.
Genome position (GRCh38, 1-based): chr1:235,465,651, T>C on the plus strand (A>G on the coding strand, the complement: B3GALNT2 is on the minus strand). VCF-style: chr1-235465651-T-C. GRCh37 (hg19) VCF-style: chr1-235628968-T-C.
Other names: c.949A>G, p.Ile317Val (NM_001277155.3); c.826A>G (NM_152490.2); short protein forms I276V, I317V.
Identifiers: ClinVar variation 1399588 (VCV001399588.4), dbSNP rs533620649, ClinGen allele CA1464786.

ClinVar aggregate classification (germline): Uncertain significance. Review status: criteria provided, multiple submitters, no conflicts (2 of 4 stars). 2 submissions from 2 submitters: Uncertain significance (2). Last evaluated 2021-10-11.

Conditions:
Muscular dystrophy-dystroglycanopathy (congenital with brain and eye anomalies), type a, 11 (MDDGA11). Also called: Muscular dystrophy-dystroglycanopathy (congenital with brain and eye anomalies, type A, 11; Congenital muscular dystrophy-dystroglycanopathy with brain and eye anomalies, type A11; WALKER-WARBURG SYNDROME OR MUSCLE-EYE-BRAIN DISEASE, B3GALNT2-RELATED. Identifiers: Orphanet 588, Orphanet 899, MedGen C3554638, MONDO:0014071, OMIM 615181.
Inborn genetic diseases. Identifiers: MedGen C0950123, MeSH D030342.

Allele frequency attached by ClinVar (database versions not stated): gnomAD exomes below 0.00001 and 0.00001; TOPMed below 0.00001; gnomAD 0.00001; ExAC 0.00003; 1000 Genomes Project 30x 0.00016; 1000 Genomes Project 0.00020.
gnomAD v4.1: 5 of 1,614,070 alleles (0.00031%); highest among the groups gnomAD compares: East Asian, 0.0067%; no homozygotes.

Submissions (2):

Labcorp Genetics (formerly Invitae), Labcorp
Classification: Uncertain significance for Muscular dystrophy-dystroglycanopathy (congenital with brain and eye anomalies), type a, 11. Last evaluated: 2021-10-11. Review status: criteria provided, single submitter. Criteria: Invitae Variant Classification Sherloc (09022015). Collection method: clinical testing. Allele origin: germline.
Comment: This sequence change replaces isoleucine with valine at codon 276 of the B3GALNT2 protein (p.Ile276Val). The isoleucine residue is moderately conserved and there is a small physicochemical difference between isoleucine and valine. This variant is present in population databases (rs533620649, ExAC 0.01%). This variant has not been reported in the literature in individuals affected with B3GALNT2-related conditions. Algorithms developed to predict the effect of missense changes on protein structure and function (SIFT, PolyPhen-2, Align-GVGD) all suggest that this variant is likely to be tolerated. In summary, the available evidence is currently insufficient to determine the role of this variant in disease. Therefore, it has been classified as a Variant of Uncertain Significance.

Ambry Genetics
Classification: Uncertain significance for Inborn genetic diseases. Last evaluated: 2021-09-09. Review status: criteria provided, single submitter. Criteria: Ambry Variant Classification Scheme 2023. Collection method: clinical testing. Allele origin: germline.